The following is an entry in ClinVar:

NM_001710.6(CFB):c.871A>C (p.Lys291Gln)

Gene: CFB (complement factor B; plus strand). Cytogenetic location: 6p21.33.
Variant type: single nucleotide variant.
Coding change: c.871A>C on transcript NM_001710.6 (MANE Select); coding-DNA position 871, A replaced by C.
Protein change: p.Lys291Gln; replaces lysine 291 with glutamine.
Molecular consequence: missense variant.
Genome position (GRCh38, 1-based): chr6:31,948,055, A>C. VCF-style: chr6-31948055-A-C. GRCh37 (hg19) VCF-style: chr6-31915832-A-C.
Other names: short protein forms K291Q.
Identifiers: ClinVar variation 1391133 (VCV001391133.8), dbSNP rs2151783466, ClinGen allele CA363396349.
Genomic context (GRCh38, chr6:31,948,055, plus strand): 5'-ATCTACCTGGTGCTAGATGGATCAGACAGCATTGGGGCCAGCAACTTCACAGGAGCCAAA[A>C]AGTGTCTAGTCAACTTAATTGAGAAGGTGGAATCCTCCTATCCCTGAACTCGGGGGAATG-3'
Protein context (NP_001701.2, residues 281-301): IGASNFTGAK[Lys291Gln]CLVNLIEKVA

ClinVar aggregate classification (germline): Uncertain significance (1 of 4 stars; one submission).

Submission:

Labcorp Genetics (formerly Invitae), Labcorp
Classification: Uncertain significance. Last evaluated: 2020-11-20. Review status: criteria provided, single submitter. Criteria: Invitae Variant Classification Sherloc (09022015). Collection method: clinical testing. Allele origin: germline.
Comment: In summary, the available evidence is currently insufficient to determine the role of this variant in disease. Therefore, it has been classified as a Variant of Uncertain Significance. Algorithms developed to predict the effect of missense changes on protein structure and function (SIFT, PolyPhen-2, Align-GVGD) all suggest that this variant is likely to be tolerated, but these predictions have not been confirmed by published functional studies and their clinical significance is uncertain. This variant has not been reported in the literature in individuals with CFB-related conditions. This variant is not present in population databases (ExAC no frequency). This sequence change replaces lysine with glutamine at codon 291 of the CFB protein (p.Lys291Gln). The lysine residue is weakly conserved and there is a small physicochemical difference between lysine and glutamine.